The following is an entry in ClinVar:

ClinVar aggregate classification (germline): Conflicting classifications of pathogenicity. Review status: criteria provided, conflicting classifications (1 of 4 stars). 17 submissions from 13 submitters: Uncertain significance (7); Benign (3); Likely benign (7). Last evaluated 2026-07-01.

Conditions:
TTN-related disorder. Also called: TTN-related disorders; TTN-related condition; TTN-related disease.
Autosomal recessive limb-girdle muscular dystrophy type 2J (LGMDR10). Also called: MUSCULAR DYSTROPHY, LIMB-GIRDLE, AUTOSOMAL RECESSIVE 10; Limb-girdle muscular dystrophy, type 2J. Identifiers: Orphanet 140922, MedGen C1837342, MONDO:0012127, OMIM 608807.
Dilated cardiomyopathy 1G (CMD1G). Identifiers: Orphanet 154, MedGen C1858763, MONDO:0011400, OMIM 604145.
Early-onset myopathy with fatal cardiomyopathy (CMYO5). Also called: CONGENITAL MYOPATHY 5 WITH CARDIOMYOPATHY; Salih Myopathy. Identifiers: Orphanet 289377, MedGen C2673677, MONDO:0012714, OMIM 611705. Disease mechanism: loss of function.
Myopathy, myofibrillar, 9, with early respiratory failure (MFM9). Also called: Myopathy, distal, with early respiratory failure, autosomal dominant; Hereditary myopathy with early respiratory failure; EDSTROM MYOPATHY; MYOPATHY, PROXIMAL, WITH EARLY RESPIRATORY MUSCLE INVOLVEMENT. Identifiers: Orphanet 178464, Orphanet 34521, MedGen C1863599, MONDO:0011362, OMIM 603689.
Tibial muscular dystrophy (TMD). Also called: Tibial muscular dystrophy, tardive; Udd Distal Myopathy – Tibial Muscular Dystrophy; UDD MYOPATHY. Identifiers: Orphanet 609, MedGen C1838244, MONDO:0010870, OMIM 600334.

Allele frequency attached by ClinVar (database versions not stated): gnomAD exomes 0.00039 and 0.00037; 1000 Genomes Project 30x 0.00047; TOPMed 0.00055; ESP Exome Variant Server 0.00008; gnomAD 0.00033 and 0.00031; ExAC 0.00034; 1000 Genomes Project 0.00060.
gnomAD v4.1: 636 of 1,611,062 alleles (0.039%); highest among the groups gnomAD compares: Middle Eastern, 1.5%; 5 homozygotes.

Submissions (17):

CeGaT Center for Human Genetics Tuebingen
Classification: Likely benign. Last evaluated: 2026-07-01. Review status: criteria provided, single submitter. Criteria: CeGaT Center For Human Genetics Tuebingen Variant Classification Criteria Version 2. Collection method: clinical testing. Allele origin: germline. Affected: yes. Observed: 20 variant alleles.
Comment: TTN: BP4

Women's Health and Genetics/Laboratory Corporation of America, LabCorp
Classification: Likely benign. Last evaluated: 2026-06-17. Review status: criteria provided, single submitter. Criteria: LabCorp Variant Classification Summary - May 2015. Collection method: clinical testing. Allele origin: germline.
Comment: Variant summary: TTN c.28105C>G (p.Pro9369Ala) results in a non-conservative amino acid change located in the I-band region of the encoded protein sequence. Algorithms developed to predict the effect of missense changes on protein structure and function are either unavailable or do not agree on the potential impact of this missense change. The variant allele was found at a frequency of 0.00037 in 247188 control chromosomes, predominantly at a frequency of 0.00076 within the Latino subpopulation in the gnomAD database. The observed variant frequency within Latino control individuals in the gnomAD database exceeds the estimated maximal expected allele frequency for disease-causing variants in TTN. c.28105C>G has been reported in an individual affected with Dilated Cardiomyopathy and an individual reported with Sudden Unexplained Death (Pugh_2014, Campuzano_2015). These reports do not provide unequivocal conclusions about association of the variant with Dilated Cardiomyopathy. To our knowledge, no experimental evidence demonstrating an impact on protein function has been reported. The following publications have been ascertained in the context of this evaluation (PMID: 24503780, 26516846). ClinVar contains an entry for this variant (Variation ID: 46858). Based on the evidence outlined above, the variant was classified as likely benign.

Molecular Diagnostic Laboratory for Inherited Cardiovascular Disease, Montreal Heart Institute
Classification: Likely benign. Last evaluated: 2025-04-09. Review status: criteria provided, single submitter. Criteria: ACMG Guidelines, 2015. Collection method: clinical testing. Allele origin: germline. Affected: no.

PreventionGenetics, part of Exact Sciences
Classification: Likely benign for TTN-related condition. Last evaluated: 2025-02-28. Review status: criteria provided, single submitter. Criteria: ACMG Guidelines, 2015. Collection method: clinical testing. Allele origin: germline.
Comment: This variant is classified as likely benign based on ACMG/AMP sequence variant interpretation guidelines (Richards et al. 2015 PMID: 25741868, with internal and published modifications).

Blueprint Genetics
Classification: Likely benign. Last evaluated: 2024-11-26. Review status: criteria provided, single submitter. Criteria: ACMG Guidelines, 2015. Collection method: clinical testing. Allele origin: germline.

Mayo Clinic Laboratories, Mayo Clinic
Classification: Benign. Last evaluated: 2024-11-19. Review status: criteria provided, single submitter. Criteria: ACMG Guidelines, 2015. Collection method: clinical testing. Allele origin: germline. Observed: 8 variant alleles.
Comment: BS1

GeneDx
Classification: Likely benign. Last evaluated: 2021-03-02. Review status: criteria provided, single submitter. Criteria: GeneDx Variant Classification Process June 2021. Collection method: clinical testing. Allele origin: germline. Affected: yes.
Comment: This variant is associated with the following publications: (PMID: 24503780)

Baylor Genetics
Classification: Uncertain significance for Autosomal recessive limb-girdle muscular dystrophy type 2J. Last evaluated: 2020-01-08. Review status: criteria provided, single submitter. Criteria: ACMG Guidelines, 2015. Collection method: clinical testing. Allele origin: unknown. Affected: yes.
Comment: This variant was determined to be of uncertain significance according to ACMG Guidelines, 2015 [PMID:25741868].

Athena Diagnostics
Classification: Likely benign. Last evaluated: 2018-10-23. Review status: criteria provided, single submitter. Criteria: Athena Diagnostics Criteria. Collection method: clinical testing. Allele origin: germline.

Labcorp Genetics (formerly Invitae), Labcorp
Classification: Uncertain significance for Dilated cardiomyopathy 1G; Autosomal recessive limb-girdle muscular dystrophy type 2J. Last evaluated: 2017-12-27. Review status: criteria provided, single submitter. Criteria: Invitae Variant Classification Sherloc (09022015). Collection method: clinical testing. Allele origin: germline.

Illumina Laboratory Services, Illumina
Classification: Benign for Tibial muscular dystrophy. Last evaluated: 2017-04-27. Review status: criteria provided, single submitter. Criteria: ICSL Variant Classification Criteria 13 December 2019. Collection method: clinical testing. Allele origin: germline.
Comment: This variant was observed as part of a predisposition screen in an ostensibly healthy population. A literature search was performed for the gene, cDNA change, and amino acid change (where applicable). No publications were found based on this search. Allele frequency data from public databases was too high to be consistent with this variant causing disease. Therefore, this variant is classified as benign.

Illumina Laboratory Services, Illumina
Classification: Uncertain significance for Early-onset myopathy with fatal cardiomyopathy. Last evaluated: 2017-04-27. Review status: criteria provided, single submitter. Criteria: ICSL Variant Classification Criteria 13 December 2019. Collection method: clinical testing. Allele origin: germline.

Illumina Laboratory Services, Illumina
Classification: Uncertain significance for Dilated cardiomyopathy 1G. Last evaluated: 2017-04-27. Review status: criteria provided, single submitter. Criteria: ICSL Variant Classification Criteria 13 December 2019. Collection method: clinical testing. Allele origin: germline.
Comment: This variant was observed as part of a predisposition screen in an ostensibly healthy population. A literature search was performed for the gene, cDNA change, and amino acid change (where applicable). Publications were found based on this search. However, the evidence from the literature, in combination with allele frequency data from public databases where available, was not sufficient to rule this variant in or out of causing disease. Therefore, this variant is classified as a variant of unknown significance.

Illumina Laboratory Services, Illumina
Classification: Benign for Myopathy, myofibrillar, 9, with early respiratory failure. Last evaluated: 2017-04-27. Review status: criteria provided, single submitter. Criteria: ICSL Variant Classification Criteria 13 December 2019. Collection method: clinical testing. Allele origin: germline.
Comment: the same text as in the submission from Illumina Laboratory Services, Illumina above.

Illumina Laboratory Services, Illumina
Classification: Uncertain significance for Autosomal recessive limb-girdle muscular dystrophy type 2J. Last evaluated: 2017-04-27. Review status: criteria provided, single submitter. Criteria: ICSL Variant Classification Criteria 13 December 2019. Collection method: clinical testing. Allele origin: germline.

Eurofins Ntd Llc (ga)
Classification: Uncertain significance. Last evaluated: 2015-08-24. Review status: criteria provided, single submitter. Criteria: EGL Classification Definitions 2015. Collection method: clinical testing. Allele origin: germline. Observed: 1 variant allele, 1 heterozygote.

Laboratory for Molecular Medicine, Mass General Brigham Personalized Medicine
Classification: Uncertain significance. Last evaluated: 2012-07-24. Review status: criteria provided, single submitter. Criteria: LMM Criteria. Collection method: clinical testing. Allele origin: germline. Observed: 1 variant allele.
Comment: The Pro9369Ala variant in TTN has not been reported in the literature nor previo usly identified by our laboratory. This variant has been identified in 1/8176 Eu ropean American chromosomes from a broad population by the NHLBI Exome Sequencin g Project, though this could represent a pre symptomatic individual. Computational analyses (biochemical amino acid propertie s, conservation, AlignGVGD, PolyPhen2, and SIFT) do not argue for or against an impact to the protein. Additional information is needed to fully assess the clin ical significance of the Pro9369Ala variant.

Literature cited by the submitters: PubMed 24503780 (cited by 4 submitters); PubMed 26516846 (cited by Women's Health and Genetics/Laboratory Corporation of America, LabCorp).

NM_001267550.2(TTN):c.31837C>G (p.Pro10613Ala)

Gene: TTN (titin; minus strand). Cytogenetic location: 2q31.2.
Variant type: single nucleotide variant.
Coding change: c.31837C>G on transcript NM_001267550.2 (MANE Select); coding-DNA position 31837, C replaced by G.
Protein change: p.Pro10613Ala; replaces proline 10613 with alanine.
Molecular consequence: missense variant. On other transcripts: intron variant (3).
Genome position (GRCh38, 1-based): chr2:178,689,822, G>C on the plus strand (C>G on the coding strand, the complement: TTN is on the minus strand). VCF-style: chr2-178689822-G-C. GRCh37 (hg19) VCF-style: chr2-179554549-G-C.
Other names: p.Pro10296Ala; c.30886C>G, p.Pro10296Ala (NM_001256850.1); c.28105C>G, p.Pro9369Ala (NM_133378.4); c.13283-47505C>G (NM_003319.4); c.13859-47505C>G (NM_133437.4); c.13658-47505C>G (NM_133432.3); short protein forms P10613A, P9369A, P10296A.
Identifiers: ClinVar variation 46858 (VCV000046858.67), dbSNP rs200213832, ClinGen allele CA139375.